The following is an entry in ClinVar:

NM_001166108.2(PALLD):c.2749G>A (p.Glu917Lys)

Genes: CBR4 (carbonyl reductase 4; minus strand), PALLD (palladin, cytoskeletal associated protein; plus strand). Cytogenetic location: 4q32.3.
Variant type: single nucleotide variant.
Coding change: c.2749G>A on transcript NM_001166108.2 (MANE Select); coding-DNA position 2749, G replaced by A.
Protein change: p.Glu917Lys; replaces glutamic acid 917 with lysine.
Molecular consequence: missense variant.
Genome position (GRCh38, 1-based): chr4:168,915,926, G>A. VCF-style: chr4-168915926-G-A. GRCh37 (hg19) VCF-style: chr4-169837077-G-A.
Other names: c.1552G>A, p.Glu518Lys (NM_001166109.2); c.1237G>A, p.Glu413Lys (NM_001166110.2); c.577G>A, p.Glu193Lys (NM_001367567.1, NM_001367569.1); c.628G>A, p.Glu210Lys (NM_001367568.1, NM_001367570.1); c.2698G>A, p.Glu900Lys (NM_016081.4); short protein forms E900K, E413K, E193K, E917K, E518K, E210K.
Identifiers: ClinVar variation 567473 (VCV000567473.9), dbSNP rs372708613, ClinGen allele CA3135955.
Genomic context (GRCh38, chr4:168,915,926, plus strand): 5'-TATCTATCTGTCATCTTTCTTGTTTCAAGGCCTCGTTCTAGATCAAGGGACAGTGGAGAC[G>A]AAAATGAACCAATTCAGGAGCGATTCTTCAGACCTCACTTCTTGCAGGCTCCTGGAGATC-3'
Protein context (NP_001159580.1, residues 907-927): PRSRSRDSGD[Glu917Lys]NEPIQERFFR

ClinVar aggregate classification (germline): Uncertain significance. Review status: criteria provided, multiple submitters, no conflicts (2 of 4 stars). 4 submissions from 3 submitters: Uncertain significance (4). Last evaluated 2025-08-01.

Conditions:
PALLD-related disorder. Also called: PALLD-related condition.
Hereditary cancer-predisposing syndrome. Also called: Neoplastic Syndromes, Hereditary; Tumor predisposition; Hereditary neoplastic syndrome; Hereditary Cancer Syndrome. Identifiers: Orphanet 140162, MedGen C0027672, MeSH D009386, MONDO:0015356.
Inborn genetic diseases. Identifiers: MedGen C0950123, MeSH D030342.
Pancreatic adenocarcinoma. Identifiers: MedGen C0281361, MONDO:0006047, HP:0006725.

Allele frequency attached by ClinVar (database versions not stated): ExAC 0.00005; gnomAD exomes 0.00005; gnomAD 0.00006 and 0.00008; ESP Exome Variant Server 0.00008; TOPMed 0.00010.
gnomAD v4.1: 75 of 1,613,112 alleles (0.0046%); highest among the groups gnomAD compares: African/African-American, 0.023%; no homozygotes.

Submissions (4):

Labcorp Genetics (formerly Invitae), Labcorp
Classification: Uncertain significance for Pancreatic adenocarcinoma. Last evaluated: 2025-08-01. Review status: criteria provided, single submitter. Criteria: Invitae Variant Classification Sherloc (09022015). Collection method: clinical testing. Allele origin: germline.
Comment: This sequence change replaces glutamic acid, which is acidic and polar, with lysine, which is basic and polar, at codon 413 of the PALLD protein (p.Glu413Lys). This variant is present in population databases (rs372708613, gnomAD 0.02%). This variant has not been reported in the literature in individuals affected with PALLD-related conditions. ClinVar contains an entry for this variant (Variation ID: 567473). An algorithm developed to predict the effect of missense changes on protein structure and function (PolyPhen-2) suggests that this variant is likely to be tolerated. In summary, the available evidence is currently insufficient to determine the role of this variant in disease. Therefore, it has been classified as a Variant of Uncertain Significance.

Ambry Genetics
Classification: Uncertain significance for Inborn genetic diseases. Last evaluated: 2022-12-02. Review status: criteria provided, single submitter. Criteria: Ambry General Variant Classification Scheme_2022. Collection method: clinical testing. Allele origin: germline. Observed: 1 variant allele.

PreventionGenetics, part of Exact Sciences
Classification: Uncertain significance for PALLD-related condition. Last evaluated: 2022-11-11. Review status: criteria provided, single submitter. Criteria: ACMG Guidelines, 2015. Collection method: clinical testing. Allele origin: germline.
Comment: The PALLD c.2698G>A variant is predicted to result in the amino acid substitution p.Glu900Lys. To our knowledge, this variant has not been reported in the literature. This variant is reported in 0.024% of alleles in individuals of African descent in gnomAD and has been interpreted in ClinVar as uncertain. At this time, the clinical significance of this variant is uncertain due to the absence of conclusive functional and genetic evidence.

Ambry Genetics
Classification: Uncertain significance for Hereditary cancer-predisposing syndrome. Last evaluated: 2022-10-15. Review status: criteria provided, single submitter. Criteria: Ambry General Variant Classification Scheme_2022. Collection method: clinical testing. Allele origin: germline. Observed: 1 variant allele.
Comment: The p.E900K variant (also known as c.2698G>A), located in coding exon 15 of the PALLD gene, results from a G to A substitution at nucleotide position 2698. The glutamic acid at codon 900 is replaced by lysine, an amino acid with similar properties. This amino acid position is conserved. In addition, this alteration is predicted to be tolerated by in silico analysis. Since supporting evidence is limited at this time, the clinical significance of this alteration remains unclear.